The following is an entry in ClinVar:

NM_000218.3(KCNQ1):c.1142G>A (p.Cys381Tyr)

Gene: KCNQ1 (potassium voltage-gated channel subfamily Q member 1; plus strand). Cytogenetic location: 11p15.5.
Variant type: single nucleotide variant.
Coding change: c.1142G>A on transcript NM_000218.3 (MANE Select); coding-DNA position 1142, G replaced by A.
Protein change: p.Cys381Tyr; replaces cysteine 381 with tyrosine.
Molecular consequence: missense variant.
Genome position (GRCh38, 1-based): chr11:2,587,583, G>A. VCF-style: chr11-2587583-G-A. GRCh37 (hg19) VCF-style: chr11-2608813-G-A.
Other names: p.C381Y:TGC>TAC; c.1046G>A, p.Cys349Tyr (NM_001406836.1); c.872G>A, p.Cys291Tyr (NM_001406837.1); c.602G>A, p.Cys201Tyr (NM_001406838.1); c.761G>A, p.Cys254Tyr (NM_181798.2); short protein forms C254Y, C381Y, C201Y, C291Y, C349Y.
Identifiers: ClinVar variation 200844 (VCV000200844.16), dbSNP rs368507376, ClinGen allele CA005402.

ClinVar aggregate classification (germline): Uncertain significance. Review status: criteria provided, multiple submitters, no conflicts (2 of 4 stars). 7 submissions from 7 submitters: Uncertain significance (7). Last evaluated 2026-08-13.

Conditions:
Cardiovascular phenotype. Identifiers: MedGen CN230736.
Cardiac arrhythmia. Also called: Cardiac rhythm disease; Arrhythmia. Identifiers: MedGen C0003811, MONDO:0007263, HP:0011675.
Long QT syndrome (LQTS). Identifiers: MedGen C0023976, MeSH D008133, MONDO:0002442. Disease mechanism: loss of function. Inheritance: Various modes of inheritance.

Allele frequency attached by ClinVar (database versions not stated): gnomAD 0.00001; gnomAD exomes 0.00001; TOPMed 0.00001; ExAC 0.00002; ESP Exome Variant Server 0.00015.

Submissions (7):

GeneDx
Classification: Uncertain significance. Last evaluated: 2026-08-13. Review status: criteria provided, single submitter. Criteria: GeneDx Variant Classification Process June 2021. Collection method: clinical testing. Allele origin: germline.
Comment: Identified in cohort of autopsy-negative sudden unexplained death (SUD) cases in published literature (PMID: 25639344); Not observed at significant frequency in large population cohorts (gnomAD); In silico analysis supports that this missense variant has a deleterious effect on protein structure/function; In silico analysis is inconclusive as to whether the variant alters gene splicing. In the absence of RNA/functional studies, the actual effect of this sequence change is unknown.; This variant is associated with the following publications: (PMID: 25639344)

Color Diagnostics, LLC DBA Color Health
Classification: Uncertain significance for Cardiac arrhythmia. Last evaluated: 2025-12-11. Review status: criteria provided, single submitter. Criteria: ACMG Guidelines, 2015. Collection method: clinical testing. Allele origin: germline.
Comment: This missense variant replaces cysteine with tyrosine at codon 381 of the KCNQ1 protein. Computational prediction suggests that this variant may have deleterious impact on protein structure and function. To our knowledge, functional studies have not been reported for this variant. This variant has been reported in an individual affected with sudden unexplained death (PMID: 25639344). This variant has been identified in 29/1613698 chromosomes in the general population by the Genome Aggregation Database (gnomAD). The available evidence is insufficient to determine the role of this variant in disease conclusively. Therefore, this variant is classified as a Variant of Uncertain Significance.

All of Us Research Program, National Institutes of Health
Classification: Uncertain significance for Long QT syndrome. Last evaluated: 2024-07-29. Review status: criteria provided, single submitter. Criteria: ACMG Guidelines, 2015. Collection method: clinical testing. Allele origin: germline. Inheritance: Autosomal dominant inheritance. Observed: 2 variant alleles, 2 heterozygotes.
Comment: This missense variant replaces cysteine with tyrosine at codon 381 of the KCNQ1 protein. Computational prediction suggests that this variant may have deleterious impact on protein structure and function (internally defined REVEL score threshold >= 0.7, PMID: 27666373). To our knowledge, functional studies have not been reported for this variant. This variant has been reported in an individual affected with sudden unexplained death (PMID: 25639344). This variant has been identified in 3/251142 chromosomes in the general population by the Genome Aggregation Database (gnomAD). The available evidence is insufficient to determine the role of this variant in disease conclusively. Therefore, this variant is classified as a Variant of Uncertain Significance.

This study involves interpretation of variants in research participants for the purpose of population health screening. Participant phenotype was not available at the time of variant classification. Additional details can be found in publication PMID: 35346344, PMCID: PMC8962531

Labcorp Genetics (formerly Invitae), Labcorp
Classification: Uncertain significance for Long QT syndrome. Last evaluated: 2022-10-11. Review status: criteria provided, single submitter. Criteria: Invitae Variant Classification Sherloc (09022015). Collection method: clinical testing. Allele origin: germline.
Comment: Advanced modeling of protein sequence and biophysical properties (such as structural, functional, and spatial information, amino acid conservation, physicochemical variation, residue mobility, and thermodynamic stability) performed at Invitae indicates that this missense variant is expected to disrupt KCNQ1 protein function. In summary, the available evidence is currently insufficient to determine the role of this variant in disease. Therefore, it has been classified as a Variant of Uncertain Significance. ClinVar contains an entry for this variant (Variation ID: 200844). This sequence change replaces cysteine, which is neutral and slightly polar, with tyrosine, which is neutral and polar, at codon 381 of the KCNQ1 protein (p.Cys381Tyr). This variant is present in population databases (rs368507376, gnomAD 0.004%). This variant has not been reported in the literature in individuals affected with KCNQ1-related conditions.

Blueprint Genetics
Classification: Uncertain significance. Last evaluated: 2022-09-01. Review status: criteria provided, single submitter. Criteria: ACMG Guidelines, 2015. Collection method: clinical testing. Allele origin: germline.

Ambry Genetics
Classification: Uncertain significance for Cardiovascular phenotype. Last evaluated: 2022-08-10. Review status: criteria provided, single submitter. Criteria: Ambry Variant Classification Scheme 2023. Collection method: clinical testing. Allele origin: germline.
Comment: The p.C381Y variant (also known as c.1142G>A), located in coding exon 9 of the KCNQ1 gene, results from a G to A substitution at nucleotide position 1142. The cysteine at codon 381 is replaced by tyrosine, an amino acid with highly dissimilar properties. This alteration has been reported in a sudden unexplained death cohort; however, clinical details were limited (Huang J et al. J Forensic Sci, 2015 Mar;60:351-6). This amino acid position is highly conserved in available vertebrate species. In addition, this alteration is predicted to be deleterious by in silico analysis. Since supporting evidence is limited at this time, the clinical significance of this alteration remains unclear.

AiLife Diagnostics
Classification: Uncertain significance. Last evaluated: 2021-07-21. Review status: criteria provided, single submitter. Criteria: ACMG Guidelines, 2015. Collection method: clinical testing. Allele origin: germline. Affected: yes. Observed: 1 variant allele.

Literature cited by the submitters: PubMed 25639344 (cited by 3 submitters).